The following is an entry in ClinVar:

ClinVar aggregate classification (germline): Benign. Review status: criteria provided, single submitter (1 of 4 stars). 2 submissions from 2 submitters: Benign (1). 1 of the submissions does not count toward it. Last evaluated 2025-12-23.

Conditions:
IFT74-related disorder. Also called: IFT74-related condition; IFT74-Related Disorders.

Allele frequency attached by ClinVar (database versions not stated): gnomAD 0.00001 and 0.00027; TOPMed 0.00003; gnomAD exomes 0.00069; 1000 Genomes Project 0.00100; 1000 Genomes Project 30x 0.00109; ExAC 0.00125.
gnomAD v4.1: 498 of 1,545,152 alleles (0.032%); highest among the groups gnomAD compares: South Asian, 0.59%; 5 homozygotes.

Submissions (2):

Labcorp Genetics (formerly Invitae), Labcorp
Classification: Benign. Last evaluated: 2025-12-23. Review status: criteria provided, single submitter. Criteria: Invitae Variant Classification Sherloc (09022015). Collection method: clinical testing. Allele origin: germline.

PreventionGenetics, part of Exact Sciences
Classification: Likely benign for IFT74-related condition. Last evaluated: 2020-03-18. Review status: no assertion criteria provided. Collection method: clinical testing. Allele origin: germline. Not counted in ClinVar's aggregate classification.
Comment: This variant is classified as likely benign based on ACMG/AMP sequence variant interpretation guidelines (Richards et al. 2015 PMID: 25741868, with internal and published modifications).

NM_025103.4(IFT74):c.727G>C (p.Glu243Gln)

Gene: IFT74 (intraflagellar transport 74; plus strand). Cytogenetic location: 9p21.2.
Variant type: single nucleotide variant.
Coding change: c.727G>C on transcript NM_025103.4 (MANE Select); coding-DNA position 727, G replaced by C.
Protein change: p.Glu243Gln; replaces glutamic acid 243 with glutamine.
Molecular consequence: missense variant.
Genome position (GRCh38, 1-based): chr9:27,011,906, G>C. VCF-style: chr9-27011906-G-C. GRCh37 (hg19) VCF-style: chr9-27011904-G-C.
Other names: c.727G>C, p.Glu243Gln (NM_001099222.3, NM_001099223.3, NM_001099224.3 and 1 more transcripts); c.727G>C (NM_025103.2); short protein forms E243Q.
Identifiers: ClinVar variation 1594324 (VCV001594324.10), dbSNP rs562804818, ClinGen allele CA5015374.